The following is an entry in ClinVar:

NM_020634.3(GDF3):c.1091G>C (p.Gly364Ala)

Gene: GDF3 (growth differentiation factor 3; minus strand). Cytogenetic location: 12p13.31.
Variant type: single nucleotide variant.
Coding change: c.1091G>C on transcript NM_020634.3 (MANE Select); coding-DNA position 1091, G replaced by C.
Protein change: p.Gly364Ala; replaces glycine 364 with alanine.
Molecular consequence: missense variant.
Genome position (GRCh38, 1-based): chr12:7,689,882, C>G on the plus strand (G>C on the coding strand, the complement: GDF3 is on the minus strand). VCF-style: chr12-7689882-C-G. GRCh37 (hg19) VCF-style: chr12-7842478-C-G.
Other names: short protein forms G364A.
Identifiers: ClinVar variation 2444805 (VCV002444805.2), dbSNP rs758777639, ClinGen allele CA232503388.

ClinVar aggregate classification (germline): Uncertain significance (1 of 4 stars; one submission).

gnomAD v4.1: 12 of 1,597,024 alleles (0.00075%); highest among the groups gnomAD compares: Non-Finnish European, 0.00094%; no homozygotes.

Submission:

GeneDx
Classification: Uncertain significance. Last evaluated: 2026-01-21. Review status: criteria provided, single submitter. Criteria: GeneDx Variant Classification Process June 2021. Collection method: clinical testing. Allele origin: germline.
Comment: Not observed at significant frequency in large population cohorts (gnomAD); In silico analysis suggests that this missense variant does not alter protein structure/function; Has not been previously published as pathogenic or benign to our knowledge